The following is an entry in ClinVar:

NM_130466.4(UBE3B):c.1807G>A (p.Glu603Lys)

Gene: UBE3B (ubiquitin protein ligase E3B; plus strand). Cytogenetic location: 12q24.11.
Variant type: single nucleotide variant.
Coding change: c.1807G>A on transcript NM_130466.4 (MANE Select); coding-DNA position 1807, G replaced by A.
Protein change: p.Glu603Lys; replaces glutamic acid 603 with lysine.
Molecular consequence: missense variant.
Genome position (GRCh38, 1-based): chr12:109,510,409, G>A. VCF-style: chr12-109510409-G-A. GRCh37 (hg19) VCF-style: chr12-109948214-G-A.
Other names: c.1807G>A, p.Glu603Lys (NM_183415.3); c.1807G>A (NM_130466.2); short protein forms E603K.
Identifiers: ClinVar variation 1429564 (VCV001429564.4), dbSNP rs1032357677, ClinGen allele CA243438533.

ClinVar aggregate classification (germline): Uncertain significance. Review status: criteria provided, multiple submitters, no conflicts (2 of 4 stars). 2 submissions from 2 submitters: Uncertain significance (2). Last evaluated 2024-09-24.

Conditions:
Inborn genetic diseases. Identifiers: MedGen C0950123, MeSH D030342.

Allele frequency attached by ClinVar (database versions not stated): gnomAD exomes below 0.00001 and 0.00001.
gnomAD v4.1: 6 of 1,613,240 alleles (0.00037%); highest among the groups gnomAD compares: Non-Finnish European, 0.00034%; no homozygotes.

Submissions (2):

Ambry Genetics
Classification: Uncertain significance for Inborn genetic diseases. Last evaluated: 2024-09-24. Review status: criteria provided, single submitter. Criteria: Ambry Variant Classification Scheme 2023. Collection method: clinical testing. Allele origin: germline.

Labcorp Genetics (formerly Invitae), Labcorp
Classification: Uncertain significance. Last evaluated: 2022-08-15. Review status: criteria provided, single submitter. Criteria: Invitae Variant Classification Sherloc (09022015). Collection method: clinical testing. Allele origin: germline.
Comment: This sequence change replaces glutamic acid, which is acidic and polar, with lysine, which is basic and polar, at codon 603 of the UBE3B protein (p.Glu603Lys). The frequency data for this variant in the population databases is considered unreliable, as metrics indicate poor data quality at this position in the gnomAD database. This variant has not been reported in the literature in individuals affected with UBE3B-related conditions. ClinVar contains an entry for this variant (Variation ID: 1429564). Algorithms developed to predict the effect of missense changes on protein structure and function (SIFT, PolyPhen-2, Align-GVGD) all suggest that this variant is likely to be tolerated. In summary, the available evidence is currently insufficient to determine the role of this variant in disease. Therefore, it has been classified as a Variant of Uncertain Significance.